The following is an entry in ClinVar:

ClinVar aggregate classification (germline): Uncertain significance (1 of 4 stars; one submission).

Submission:

Labcorp Genetics (formerly Invitae), Labcorp
Classification: Uncertain significance. Last evaluated: 2022-09-14. Review status: criteria provided, single submitter. Criteria: Invitae Variant Classification Sherloc (09022015). Collection method: clinical testing. Allele origin: germline.
Comment: This sequence change replaces histidine, which is basic and polar, with arginine, which is basic and polar, at codon 161 of the ELOVL4 protein (p.His161Arg). This variant is not present in population databases (gnomAD no frequency). This variant has not been reported in the literature in individuals affected with ELOVL4-related conditions. Advanced modeling of protein sequence and biophysical properties (such as structural, functional, and spatial information, amino acid conservation, physicochemical variation, residue mobility, and thermodynamic stability) performed at Invitae indicates that this missense variant is expected to disrupt ELOVL4 protein function. In summary, the available evidence is currently insufficient to determine the role of this variant in disease. Therefore, it has been classified as a Variant of Uncertain Significance.

NM_022726.4(ELOVL4):c.482A>G (p.His161Arg)

Gene: ELOVL4 (ELOVL fatty acid elongase 4; minus strand). Cytogenetic location: 6q14.1.
Variant type: single nucleotide variant.
Coding change: c.482A>G on transcript NM_022726.4 (MANE Select); coding-DNA position 482, A replaced by G.
Protein change: p.His161Arg; replaces histidine 161 with arginine.
Molecular consequence: missense variant.
Genome position (GRCh38, 1-based): chr6:79,921,684, T>C on the plus strand (A>G on the coding strand, the complement: ELOVL4 is on the minus strand). VCF-style: chr6-79921684-T-C. GRCh37 (hg19) VCF-style: chr6-80631401-T-C.
Other names: short protein forms H161R.
Identifiers: ClinVar variation 2120538 (VCV002120538.4), dbSNP rs2532974714, ClinGen allele CA364656562.